The following is an entry in ClinVar:

ClinVar aggregate classification (germline): Uncertain significance (1 of 4 stars; one submission).

Conditions:
Inborn genetic diseases. Identifiers: MedGen C0950123, MeSH D030342.

Submission:

Ambry Genetics
Classification: Uncertain significance for Inborn genetic diseases. Last evaluated: 2026-06-21. Review status: criteria provided, single submitter. Criteria: Ambry Variant Classification Scheme 2023. Collection method: clinical testing. Allele origin: germline.
Comment: The p.G436S variant (also known as c.1306G>A), located in coding exon 8 of the MECOM gene, results from a G to A substitution at nucleotide position 1306. The glycine at codon 436 is replaced by serine, an amino acid with similar properties. This amino acid position is conserved. In addition, this alteration is predicted to be tolerated by in silico analysis. Based on the available evidence, the clinical significance of this variant remains unclear.

NM_004991.4(MECOM):c.1306G>A (p.Gly436Ser)

Gene: MECOM (MDS1 and EVI1 complex locus; minus strand). Cytogenetic location: 3q26.2.
Variant type: single nucleotide variant.
Coding change: c.1306G>A on transcript NM_004991.4 (MANE Select); coding-DNA position 1306, G replaced by A.
Protein change: p.Gly436Ser; replaces glycine 436 with serine.
Molecular consequence: missense variant. On other transcripts: intron variant (2).
Genome position (GRCh38, 1-based): chr3:169,116,566, C>T on the plus strand (G>A on the coding strand, the complement: MECOM is on the minus strand). VCF-style: chr3-169116566-C-T. GRCh37 (hg19) VCF-style: chr3-168834354-C-T.
Other names: c.937G>A, p.Gly313Ser (NM_001105077.4); c.742G>A, p.Gly248Ser (NM_001105078.4, NM_001164000.2, NM_001205194.2 and 4 more transcripts); c.745G>A, p.Gly249Ser (NM_001163999.2, NM_001366467.2, NM_001366468.2 and 1 more transcripts); c.1306G>A, p.Gly436Ser (NM_001366466.2); c.1133-799G>A (NM_001366473.2); c.569-799G>A (NM_001366474.2); short protein forms G249S, G436S, G248S, G313S.
Identifiers: ClinVar variation 5024116 (VCV005024116.1).